The following is an entry in ClinVar:

ClinVar aggregate classification (germline): Uncertain significance. Review status: criteria provided, single submitter (1 of 4 stars). 2 submissions from 2 submitters: Uncertain significance (1). 1 of the submissions does not count toward it. Last evaluated 2023-02-23.

Conditions:
CPT1C-related disorder. Also called: CPT1C-related condition.

gnomAD v4.1: 6 of 1,612,622 alleles (0.00037%); highest among the groups gnomAD compares: Non-Finnish European, 0.00051%; no homozygotes.

Submissions (2):

Blueprint Genetics
Classification: Uncertain significance. Last evaluated: 2023-02-23. Review status: criteria provided, single submitter. Criteria: ACMG Guidelines, 2015. Collection method: clinical testing. Allele origin: germline.

PreventionGenetics, part of Exact Sciences
Classification: Uncertain significance for CPT1C-related condition. Last evaluated: 2024-05-10. Review status: no assertion criteria provided. Collection method: clinical testing. Allele origin: germline. Not counted in ClinVar's aggregate classification.
Comment: The CPT1C c.2353G>T variant is predicted to result in the amino acid substitution p.Ala785Ser. To our knowledge, this variant has not been reported in the literature or in a large population database, indicating this variant is rare. At this time, the clinical significance of this variant is uncertain due to the absence of conclusive functional and genetic evidence.

NM_001199753.2(CPT1C):c.2386G>T (p.Ala796Ser)

Gene: CPT1C (carnitine palmitoyltransferase 1C; plus strand). Cytogenetic location: 19q13.33.
Variant type: single nucleotide variant.
Coding change: c.2386G>T on transcript NM_001199753.2 (MANE Select); coding-DNA position 2386, G replaced by T.
Protein change: p.Ala796Ser; replaces alanine 796 with serine.
Molecular consequence: missense variant. On other transcripts: non-coding transcript variant (1).
Genome position (GRCh38, 1-based): chr19:49,713,579, G>T. VCF-style: chr19-49713579-G-T. GRCh37 (hg19) VCF-style: chr19-50216836-G-T.
Other names: c.2353G>T, p.Ala785Ser (NM_001136052.3, NM_001378485.1); c.2386G>T, p.Ala796Ser (NM_001199752.3, NM_001378483.1, NM_001378484.1 and 1 more transcripts); c.2452G>T, p.Ala818Ser (NM_001378482.1); c.2251G>T, p.Ala751Ser (NM_001378486.1, NM_001378488.1); c.2218G>T, p.Ala740Ser (NM_001378487.1); short protein forms A740S, A751S, A785S, A796S, A818S.
Identifiers: ClinVar variation 3354852 (VCV003354852.2).